The following is an entry in ClinVar:

ClinVar aggregate classification (germline): Uncertain significance. Review status: criteria provided, multiple submitters, no conflicts (2 of 4 stars). 2 submissions from 2 submitters: Uncertain significance (2). Last evaluated 2025-12-02.

Conditions:
Primary ciliary dyskinesia 6. Also called: Primary Ciliary Dyskinesia 6: TXNDC3-Related Primary Ciliary Dyskinesia. Identifiers: Orphanet 244, MedGen C1970506, MONDO:0012571, OMIM 610852.
Primary ciliary dyskinesia. Also called: Ciliary dyskinesia. Identifiers: Orphanet 244, MedGen C0008780, MONDO:0016575, HP:0012265.

Allele frequency attached by ClinVar (database versions not stated): gnomAD exomes 0.00001 and 0.00004; ExAC 0.00005; gnomAD 0.00005 and 0.00006; TOPMed 0.00019; ESP Exome Variant Server 0.00023; 1000 Genomes Project 0.00040; 1000 Genomes Project 30x 0.00047.
gnomAD v4.1: 27 of 1,611,696 alleles (0.0017%); highest among the groups gnomAD compares: African/African-American, 0.016%; no homozygotes.

Submissions (2):

Ambry Genetics
Classification: Uncertain significance for Primary ciliary dyskinesia. Last evaluated: 2025-12-02. Review status: criteria provided, single submitter. Criteria: Ambry Variant Classification Scheme 2023. Collection method: clinical testing. Allele origin: germline.

Labcorp Genetics (formerly Invitae), Labcorp
Classification: Uncertain significance for Primary ciliary dyskinesia 6. Last evaluated: 2024-09-13. Review status: criteria provided, single submitter. Criteria: Invitae Variant Classification Sherloc (09022015). Collection method: clinical testing. Allele origin: germline.
Comment: This sequence change replaces tyrosine, which is neutral and polar, with histidine, which is basic and polar, at codon 277 of the NME8 protein (p.Tyr277His). This variant is present in population databases (rs138867361, gnomAD 0.03%). This variant has not been reported in the literature in individuals affected with NME8-related conditions. ClinVar contains an entry for this variant (Variation ID: 971566). Invitae Evidence Modeling of protein sequence and biophysical properties (such as structural, functional, and spatial information, amino acid conservation, physicochemical variation, residue mobility, and thermodynamic stability) indicates that this missense variant is not expected to disrupt NME8 protein function with a negative predictive value of 80%. In summary, the available evidence is currently insufficient to determine the role of this variant in disease. Therefore, it has been classified as a Variant of Uncertain Significance.

NM_016616.5(NME8):c.829T>C (p.Tyr277His)

Gene: NME8 (NME/NM23 family member 8; plus strand). Cytogenetic location: 7p14.1.
Variant type: single nucleotide variant.
Coding change: c.829T>C on transcript NM_016616.5 (MANE Select); coding-DNA position 829, T replaced by C.
Protein change: p.Tyr277His; replaces tyrosine 277 with histidine.
Molecular consequence: missense variant.
Genome position (GRCh38, 1-based): chr7:37,876,842, T>C. VCF-style: chr7-37876842-T-C. GRCh37 (hg19) VCF-style: chr7-37916444-T-C.
Other names: short protein forms Y277H.
Identifiers: ClinVar variation 971566 (VCV000971566.11), dbSNP rs138867361, ClinGen allele CA4222352.
Genomic context (GRCh38, chr7:37,876,842, plus strand): 5'-TATAAACCTCAGTTTATAATAATCTTAAATTATATTTTGGATTTTGACAGTTTACAAGAA[T>C]ATCTGGAAAGACAACATTTAGCTCAGCTCTGTGACATTGAAGAGGATGCAGCTAATGTTG-3'
Protein context (NP_057700.3, residues 267-287): MKNKQDSLQE[Tyr277His]LERQHLAQLC